The following is an entry in ClinVar:

ClinVar aggregate classification (germline): Uncertain significance. Review status: criteria provided, multiple submitters, no conflicts (2 of 4 stars). 2 submissions from 2 submitters: Uncertain significance (2). Last evaluated 2024-03-09.

Conditions:
Colorectal cancer, hereditary nonpolyposis, type 7. Identifiers: Orphanet 144, MedGen C1858380, MONDO:0013725, OMIM 614385.

Allele frequency attached by ClinVar (database versions not stated): gnomAD exomes below 0.00001; gnomAD 0.00001; TOPMed 0.00001.
gnomAD v4.1: 2 of 1,614,012 alleles (0.00012%); highest among the groups gnomAD compares: African/African-American, 0.0027%; no homozygotes.

Submissions (2):

Ambry Genetics
Classification: Uncertain significance. Last evaluated: 2024-03-09. Review status: criteria provided, single submitter. Criteria: Ambry Variant Classification Scheme 2023. Collection method: clinical testing. Allele origin: germline.
Comment: The p.A1069D variant (also known as c.3206C>A), located in coding exon 1 of the MLH3 gene, results from a C to A substitution at nucleotide position 3206. The alanine at codon 1069 is replaced by aspartic acid, an amino acid with dissimilar properties. This amino acid position is conserved. In addition, this alteration is predicted to be tolerated by in silico analysis. Since supporting evidence is limited at this time, the clinical significance of this alteration remains unclear.

Labcorp Genetics (formerly Invitae), Labcorp
Classification: Uncertain significance for Colorectal cancer, hereditary nonpolyposis, type 7. Last evaluated: 2021-11-05. Review status: criteria provided, single submitter. Criteria: Invitae Variant Classification Sherloc (09022015). Collection method: clinical testing. Allele origin: germline.
Comment: This variant is not present in population databases (gnomAD no frequency). This sequence change replaces alanine, which is neutral and non-polar, with aspartic acid, which is acidic and polar, at codon 1069 of the MLH3 protein (p.Ala1069Asp). This variant has not been reported in the literature in individuals affected with MLH3-related conditions. Algorithms developed to predict the effect of missense changes on protein structure and function (SIFT, PolyPhen-2, Align-GVGD) all suggest that this variant is likely to be tolerated. In summary, the available evidence is currently insufficient to determine the role of this variant in disease. Therefore, it has been classified as a Variant of Uncertain Significance.

NM_001040108.2(MLH3):c.3206C>A (p.Ala1069Asp)

Gene: MLH3 (mutL homolog 3; minus strand). Cytogenetic location: 14q24.3.
Variant type: single nucleotide variant.
Coding change: c.3206C>A on transcript NM_001040108.2 (MANE Select); coding-DNA position 3206, C replaced by A.
Protein change: p.Ala1069Asp; replaces alanine 1069 with aspartic acid.
Molecular consequence: missense variant.
Genome position (GRCh38, 1-based): chr14:75,046,450, G>T on the plus strand (C>A on the coding strand, the complement: MLH3 is on the minus strand). VCF-style: chr14-75046450-G-T. GRCh37 (hg19) VCF-style: chr14-75513153-G-T.
Other names: c.3206C>A, p.Ala1069Asp (NM_014381.3); short protein forms A1069D.
Identifiers: ClinVar variation 1491965 (VCV001491965.8), dbSNP rs1892226746, ClinGen allele CA390435015.
Genomic context (GRCh38, chr14:75,046,450, plus strand): 5'-ACATCCACAGCCACAGTTGTCAGGTCTTTAGTACAAGCAGCCTGAATGTCCTCAGTTGGG[G>T]CAATGAATGTGCTGAGTCCAGTCATTTTGTTGACATAAACCATTCTTCCCAGGGCTACAT-3'
Protein context (NP_001035197.1, residues 1059-1079): NKMTGLSTFI[Ala1069Asp]PTEDIQAACT